The following is an entry in ClinVar:

NM_000540.3(RYR1):c.11194-8dup

Gene: RYR1 (ryanodine receptor 1; plus strand). Cytogenetic location: 19q13.2.
Variant type: Duplication.
Coding change: c.11194-8dup on transcript NM_000540.3 (MANE Select); 8 bases into the intron before coding-DNA position 11194, one base duplicated (C; older notation c.11194-8dupC).
Molecular consequence: intron variant.
Genome position (GRCh38, 1-based): chr19:38,532,663, C duplicated; the last of 5 consecutive C bases (chr19:38,532,659-38,532,663); duplicating any one gives the same sequence. VCF-style (leftmost placement, unchanged base first): chr19-38532658-G-GC. GRCh37 (hg19) VCF-style: chr19-39023298-G-GC.
Other names: c.11179-8dup (NM_001042723.2).
Identifiers: ClinVar variation 3074840 (VCV003074840.3), dbSNP rs2514516962, ClinGen allele CA2576771842.

ClinVar aggregate classification (germline): Benign/Likely benign. Review status: criteria provided, multiple submitters, no conflicts (2 of 4 stars). 2 submissions from 2 submitters: Benign (1); Likely benign (1). Last evaluated 2024-04-03.

Conditions:
Malignant hyperthermia, susceptibility to, 1 (MHS1). Also called: Anesthesia related hyperthermia; Malignant hyperpyrexia; Fulminating hyperpyrexia; Pharmacogenic myopathy; RYR1-Related Malignant Hyperthermia Susceptibility; Malignant hyperthermia suceptibility 1. Identifiers: Orphanet 423, MedGen C2930980, MONDO:0007783, OMIM 145600.
RYR1-related disorder. Also called: RYR1-related condition; RYR1-related disorders. Identifiers: MedGen CN239331.

Submissions (2):

Labcorp Genetics (formerly Invitae), Labcorp
Classification: Benign for RYR1-related disorder. Last evaluated: 2024-04-03. Review status: criteria provided, single submitter. Criteria: Invitae Variant Classification Sherloc (09022015). Collection method: clinical testing. Allele origin: germline.

All of Us Research Program, National Institutes of Health
Classification: Likely benign for Malignant hyperthermia, susceptibility to, 1. Last evaluated: 2023-12-13. Review status: criteria provided, single submitter. Criteria: ACMG Guidelines, 2015. Collection method: clinical testing. Allele origin: germline. Inheritance: Autosomal dominant inheritance. Observed: 1 variant allele, 1 heterozygote.
Comment: This study involves interpretation of variants in research participants for the purpose of population health screening. Participant phenotype was not available at the time of variant classification. Additional details can be found in publication PMID: 35346344, PMCID: PMC8962531